The following is an entry in ClinVar:

ClinVar aggregate classification (germline): Uncertain significance (1 of 4 stars; one submission).

Conditions:
Nemaline myopathy 2 (NEM2). Also called: Nemaline myopathy 2, autosomal recessive. Identifiers: MedGen C1850569, MONDO:0009725, OMIM 256030.

gnomAD v4.1: 4 of 1,613,968 alleles (0.00025%); highest among the groups gnomAD compares: Non-Finnish European, 0.00025%; no homozygotes.

Submission:

Labcorp Genetics (formerly Invitae), Labcorp
Classification: Uncertain significance for Nemaline myopathy 2. Last evaluated: 2024-08-10. Review status: criteria provided, single submitter. Criteria: Invitae Variant Classification Sherloc (09022015). Collection method: clinical testing. Allele origin: germline.
Comment: This sequence change replaces glycine, which is neutral and non-polar, with arginine, which is basic and polar, at codon 1385 of the NEB protein (p.Gly1385Arg). This variant is present in population databases (no rsID available, gnomAD 0.0009%). This variant has not been reported in the literature in individuals affected with NEB-related conditions. An algorithm developed to predict the effect of missense changes on protein structure and function outputs the following: PolyPhen-2: "Not Available". The arginine amino acid residue is found in multiple mammalian species, which suggests that this missense change does not adversely affect protein function. In summary, the available evidence is currently insufficient to determine the role of this variant in disease. Therefore, it has been classified as a Variant of Uncertain Significance.

NM_001164508.2(NEB):c.4153G>C (p.Gly1385Arg)

Gene: NEB (nebulin; minus strand). Cytogenetic location: 2q23.3.
Variant type: single nucleotide variant.
Coding change: c.4153G>C on transcript NM_001164508.2 (MANE Select); coding-DNA position 4153, G replaced by C.
Protein change: p.Gly1385Arg; replaces glycine 1385 with arginine.
Molecular consequence: missense variant.
Genome position (GRCh38, 1-based): chr2:151,672,515, C>G on the plus strand (G>C on the coding strand, the complement: NEB is on the minus strand). VCF-style: chr2-151672515-C-G. GRCh37 (hg19) VCF-style: chr2-152529029-C-G.
Other names: c.4153G>C, p.Gly1385Arg (NM_001164507.2, NM_001271208.2, NM_004543.5); short protein forms G1385R.
Identifiers: ClinVar variation 3628962 (VCV003628962.2).